The following is an entry in ClinVar:

ClinVar aggregate classification (germline): Benign/Likely benign. Review status: criteria provided, multiple submitters, no conflicts (2 of 4 stars). 8 submissions from 8 submitters: Benign (5); Likely benign (3). Last evaluated 2026-02-01.

Conditions:
Autoinflammatory syndrome. Identifiers: Orphanet 93665, MedGen C3890737, MONDO:0019751.
Hermansky-Pudlak syndrome 2 (HPS2). Also called: Platelet defects and oculocutaneous albinism. Identifiers: Orphanet 183678, Orphanet 79430, MedGen C1842362, MONDO:0011997, OMIM 608233.

Allele frequency attached by ClinVar (database versions not stated): gnomAD exomes 0.00137 and 0.00369; ExAC 0.00483; gnomAD 0.01373 and 0.01450; TOPMed 0.01564; 1000 Genomes Project 30x 0.01624; ESP Exome Variant Server 0.01676; 1000 Genomes Project 0.01717.
gnomAD v4.1: 4,175 of 1,611,866 alleles (0.26%); highest among the groups gnomAD compares: African/African-American, 4.8%; 103 homozygotes.

Submissions (8):

Labcorp Genetics (formerly Invitae), Labcorp
Classification: Benign for Hermansky-Pudlak syndrome 2. Last evaluated: 2026-02-01. Review status: criteria provided, single submitter. Criteria: Invitae Variant Classification Sherloc (09022015). Collection method: clinical testing. Allele origin: germline.

Mayo Clinic Laboratories, Mayo Clinic
Classification: Benign. Last evaluated: 2023-12-26. Review status: criteria provided, single submitter. Criteria: ACMG Guidelines, 2015. Collection method: clinical testing. Allele origin: germline. Observed: 48 variant alleles.
Comment: BS1, BS2, BP4, BP7

GeneDx
Classification: Likely benign. Last evaluated: 2021-01-26. Review status: criteria provided, single submitter. Criteria: GeneDx Variant Classification Process June 2021. Collection method: clinical testing. Allele origin: germline. Affected: yes.

Genome Diagnostics Laboratory, The Hospital for Sick Children
Classification: Benign for Autoinflammatory syndrome. Last evaluated: 2019-12-01. Review status: criteria provided, single submitter. Criteria: ACMG Guidelines, 2015. Collection method: clinical testing. Allele origin: germline. Affected: yes.

Illumina Laboratory Services, Illumina
Classification: Likely benign for Hermansky-Pudlak syndrome 2. Last evaluated: 2017-04-28. Review status: criteria provided, single submitter. Criteria: ICSL Variant Classification Criteria 13 December 2019. Collection method: clinical testing. Allele origin: germline.
Comment: This variant was observed as part of a predisposition screen in an ostensibly healthy population. A literature search was performed for the gene, cDNA change, and amino acid change (where applicable). No publications were found based on this search. Allele frequency data from public databases allowed determination this variant is unlikely to cause disease. Therefore, this variant is classified as likely benign.

Laboratory for Molecular Medicine, Mass General Brigham Personalized Medicine
Classification: Benign. Last evaluated: 2013-02-21. Review status: criteria provided, single submitter. Criteria: LMM Criteria. Collection method: clinical testing. Allele origin: germline. Observed: 3 variant alleles.
Comment: Ala113Ala in exon 4 of AP3B1: This variant is not expected to have clinical sign ificance because it does not alter an amino acid residue and is not located with in the splice consensus sequence. It has been identified in 4.8% (213/4406) of A frican American chromosomes from a broad population by the NHLBI Exome Sequencin g Project (dbSNP rs7706167).

Breakthrough Genomics
Classification: Likely benign. Review status: criteria provided, single submitter. Criteria: ACMG Guidelines, 2015. Collection method: not provided. Allele origin: germline. Inheritance: Autosomal recessive inheritance. Affected: yes.

PreventionGenetics, part of Exact Sciences
Classification: Benign. Review status: criteria provided, single submitter. Criteria: ACMG Guidelines, 2015. Collection method: clinical testing. Allele origin: germline.

NM_003664.5(AP3B1):c.339A>C (p.Ala113=)

Gene: AP3B1 (adaptor related protein complex 3 subunit beta 1; minus strand). Cytogenetic location: 5q14.1.
Variant type: single nucleotide variant.
Coding change: c.339A>C on transcript NM_003664.5 (MANE Select); coding-DNA position 339, A replaced by C.
Protein change: p.Ala113=; no amino-acid change (alanine 113 retained).
Molecular consequence: synonymous variant.
Genome position (GRCh38, 1-based): chr5:78,228,180, T>G on the plus strand (A>C on the coding strand, the complement: AP3B1 is on the minus strand). VCF-style: chr5-78228180-T-G. GRCh37 (hg19) VCF-style: chr5-77524004-T-G.
Other names: p.Ala113=; c.192A>C, p.Ala64= (NM_001271769.2).
Identifiers: ClinVar variation 226460 (VCV000226460.26), dbSNP rs7706167, ClinGen allele CA3317388.
Genomic context (GRCh38, chr5:78,228,180, plus strand): 5'-TTGCCTACTCACTCCATTATTTACCTTCAGAGCTCGCTGAAAAGTGCTTATGGACAGGAG[T>G]GCAAGATCCTGCTGTTCTTCAGCATATCGAACCAGGTAAACATATACCAACTTCTTGATC-3'
Protein context (NP_003655.3, residues 103-123): VRYAEEQQDL[Ala113=]LLSISTFQRA